The following is an entry in ClinVar:

ClinVar aggregate classification (germline): Pathogenic/Likely pathogenic. Review status: criteria provided, multiple submitters, no conflicts (2 of 4 stars). 7 submissions from 7 submitters: Pathogenic (6); Likely pathogenic (1). Last evaluated 2024-11-24.

Conditions:
NF1-related disorder. Also called: NF1-related condition. Identifiers: MedGen CN379171.
Hereditary cancer-predisposing syndrome. Also called: Neoplastic Syndromes, Hereditary; Hereditary Cancer Syndrome; Hereditary neoplastic syndrome; Tumor predisposition. Identifiers: Orphanet 140162, MedGen C0027672, MeSH D009386, MONDO:0015356.
Cardiovascular phenotype. Identifiers: MedGen CN230736.
Neurofibromatosis, type 1 (NF1). Also called: VON RECKLINGHAUSEN DISEASE; Peripheral type neurofibromatosis; NEUROFIBROMATOSIS, TYPE I, SOMATIC; Neurofibromatosis, type I. Identifiers: Orphanet 636, MedGen C0027831, MONDO:0018975, OMIM 162200. Disease mechanism: loss of function.

Allele frequency attached by ClinVar (database versions not stated): gnomAD exomes below 0.00001.
gnomAD v4.1: 1 of 1,613,808 alleles (0.000062%); highest among the groups gnomAD compares: Admixed American, 0.0017%; no homozygotes.

Submissions (7):

GeneDx
Classification: Pathogenic. Last evaluated: 2024-11-24. Review status: criteria provided, single submitter. Criteria: GeneDx Variant Classification Process June 2021. Collection method: clinical testing. Allele origin: germline. Affected: yes.
Comment: Canonical splice site variant in a gene for which loss-of-function is a known mechanism of disease; Also known as IVS23.2+1G>A; This variant is associated with the following publications: (PMID: 9003501, 25525159, 10712197, 23913538)

Labcorp Genetics (formerly Invitae), Labcorp
Classification: Pathogenic for Neurofibromatosis, type 1. Last evaluated: 2024-09-10. Review status: criteria provided, single submitter. Criteria: Invitae Variant Classification Sherloc (09022015). Collection method: clinical testing. Allele origin: germline.
Comment: This sequence change affects a donor splice site in intron 30 of the NF1 gene. It is expected to disrupt RNA splicing. Variants that disrupt the donor or acceptor splice site typically lead to a loss of protein function (PMID: 16199547), and loss-of-function variants in NF1 are known to be pathogenic (PMID: 10712197, 23913538). This variant is not present in population databases (gnomAD no frequency). Disruption of this splice site has been observed in individual(s) with neurofibromatosis type 1 (PMID: 9003501, 10712197). ClinVar contains an entry for this variant (Variation ID: 457679). Algorithms developed to predict the effect of sequence changes on RNA splicing suggest that this variant may disrupt the consensus splice site. For these reasons, this variant has been classified as Pathogenic.

Institute of Human Genetics, Cologne University
Classification: Pathogenic for Neurofibromatosis, type 1. Last evaluated: 2023-12-29. Review status: criteria provided, single submitter. Criteria: ACMG Guidelines, 2015. Collection method: clinical testing. Allele origin: germline. Affected: yes.

Genome-Nilou Lab
Classification: Pathogenic for Neurofibromatosis, type 1. Last evaluated: 2022-03-15. Review status: criteria provided, single submitter. Criteria: ACMG Guidelines, 2015. Collection method: clinical testing. Allele origin: germline. Affected: no.

Mayo Clinic Laboratories, Mayo Clinic
Classification: Likely pathogenic. Last evaluated: 2022-03-08. Review status: criteria provided, single submitter. Criteria: ACMG Guidelines, 2015. Collection method: clinical testing. Allele origin: germline. Observed: 3 variant alleles.
Comment: PM2_very_strong, PVS1_moderate

Blueprint Genetics
Classification: Pathogenic for NF1-related disorders. Last evaluated: 2021-06-25. Review status: criteria provided, single submitter. Criteria: ACMG Guidelines, 2015. Collection method: clinical testing. Allele origin: germline. Affected: yes. Observed: 1 variant allele.

Ambry Genetics
Classification: Pathogenic for Cardiovascular phenotype; Hereditary cancer-predisposing syndrome. Last evaluated: 2016-11-16. Review status: criteria provided, single submitter. Criteria: Ambry Variant Classification Scheme 2023. Collection method: clinical testing. Allele origin: germline.
Comment: The c.4110+1G>A intronic pathogenic mutation results from a G to A substitution one nucleotide after coding exon 30 of the NF1 gene. This mutation was identified in 1/320 unrelated patients diagnosed with neurofibromatosis type 1 (NF1), and the proband carrying this mutation also had a family history of NF1 (Upadhyaya M et al. Hum. Genet., 1997 Jan;99:88-92). In addition to the clinical data presented in the literature, alterations that disrupt the canonical splice site are expected to cause aberrant splicing, resulting in an abnormal protein or a transcript that is subject to nonsense-mediated mRNA decay. As such, this alteration is classified as a disease-causing mutation.

Literature cited by the submitters: PubMed 16199547 (cited by Labcorp Genetics (formerly Invitae), Labcorp); PubMed 10712197 (cited by Labcorp Genetics (formerly Invitae), Labcorp); PubMed 23913538 (cited by Labcorp Genetics (formerly Invitae), Labcorp); PubMed 9003501 (cited by Labcorp Genetics (formerly Invitae), Labcorp).

NM_001042492.3(NF1):c.4110+1G>A

Gene: NF1 (neurofibromin 1; plus strand). Cytogenetic location: 17q11.2.
Variant type: single nucleotide variant.
Coding change: c.4110+1G>A on transcript NM_001042492.3 (MANE Select); the canonical splice donor site of the intron after coding-DNA position 4110, G replaced by A.
Molecular consequence: splice donor variant.
Genome position (GRCh38, 1-based): chr17:31,249,120, G>A. VCF-style: chr17-31249120-G-A. GRCh37 (hg19) VCF-style: chr17-29576138-G-A.
Other names: c.4110+1G>A (NM_000267.4).
Identifiers: ClinVar variation 457679 (VCV000457679.17), dbSNP rs1555617383, ClinGen allele CA398995110.